The following is an entry in ClinVar:

NM_001024630.4(RUNX2):c.1144del (p.Leu382fs)

Gene: RUNX2 (RUNX family transcription factor 2; plus strand). Cytogenetic location: 6p21.1.
Variant type: Deletion.
Coding change: c.1144del on transcript NM_001024630.4 (MANE Select); coding-DNA position 1144, one base deleted (C; older notation c.1144delC).
Protein change: p.Leu382fs; shifts the reading frame from leucine 382.
Molecular consequence: frameshift variant.
Genome position (GRCh38, 1-based): chr6:45,546,883, C deleted; the last of 3 consecutive C bases (chr6:45,546,881-45,546,883); deleting any one gives the same sequence. VCF-style (leftmost placement, unchanged base first): chr6-45546880-TC-T. GRCh37 (hg19) VCF-style: chr6-45514617-TC-T.
Other names: c.1078del, p.Leu360fs (NM_001015051.4); c.1036del, p.Leu346fs (NM_001278478.2); c.1102del, p.Leu368fs (NM_001369405.1); c.1102delC, p.Leu368Serfs (NM_004348.3); short protein forms L346fs, L360fs, L368fs, L382fs.
Identifiers: ClinVar variation 2703729 (VCV002703729.3), dbSNP rs2481024400, ClinGen allele CA2697553403.

ClinVar aggregate classification (germline): Pathogenic (1 of 4 stars; one submission).

Submission:

Labcorp Genetics (formerly Invitae), Labcorp
Classification: Pathogenic. Last evaluated: 2023-12-17. Review status: criteria provided, single submitter. Criteria: Invitae Variant Classification Sherloc (09022015). Collection method: clinical testing. Allele origin: germline.
Comment: This sequence change creates a premature translational stop signal (p.Leu382Serfs*102) in the RUNX2 gene. While this is not anticipated to result in nonsense mediated decay, it is expected to disrupt the last 140 amino acid(s) of the RUNX2 protein. This variant is not present in population databases (gnomAD no frequency). This variant has not been reported in the literature in individuals affected with RUNX2-related conditions. This variant disrupts a region of the RUNX2 protein in which other variant(s) (p.Gly462*) have been determined to be pathogenic (PMID: 28703881; Invitae). This suggests that this is a clinically significant region of the protein, and that variants that disrupt it are likely to be disease-causing. For these reasons, this variant has been classified as Pathogenic.

Literature cited by the submitters: PubMed 28703881.